The following is an entry in ClinVar:

ClinVar aggregate classification (germline): Uncertain significance. Review status: criteria provided, multiple submitters, no conflicts (2 of 4 stars). 3 submissions from 3 submitters: Uncertain significance (2). 1 of the submissions does not count toward it. Last evaluated 2024-11-03.

Conditions:
Cardiovascular phenotype. Identifiers: MedGen CN230736.
Walker-Warburg congenital muscular dystrophy. Also called: Muscular dystrophy-dystroglycanopathy, type A; Walker-Warburg syndrome. Identifiers: Orphanet 899, MedGen C0265221, MONDO:0000171.

Allele frequency attached by ClinVar (database versions not stated): TOPMed below 0.00001; ExAC 0.00001; gnomAD exomes below 0.00001.
gnomAD v4.1: 8 of 1,614,102 alleles (0.0005%); highest among the groups gnomAD compares: Non-Finnish European, 0.00068%; no homozygotes.

Submissions (3):

Labcorp Genetics (formerly Invitae), Labcorp
Classification: Uncertain significance for Walker-Warburg congenital muscular dystrophy. Last evaluated: 2024-11-03. Review status: criteria provided, single submitter. Criteria: Invitae Variant Classification Sherloc (09022015). Collection method: clinical testing. Allele origin: germline.
Comment: This sequence change replaces glycine, which is neutral and non-polar, with aspartic acid, which is acidic and polar, at codon 208 of the FKTN protein (p.Gly208Asp). This variant is present in population databases (rs778048703, gnomAD 0.0009%). This variant has not been reported in the literature in individuals affected with FKTN-related conditions. ClinVar contains an entry for this variant (Variation ID: 528816). Invitae Evidence Modeling of protein sequence and biophysical properties (such as structural, functional, and spatial information, amino acid conservation, physicochemical variation, residue mobility, and thermodynamic stability) indicates that this missense variant is expected to disrupt FKTN protein function with a positive predictive value of 95%. In summary, the available evidence is currently insufficient to determine the role of this variant in disease. Therefore, it has been classified as a Variant of Uncertain Significance.

Ambry Genetics
Classification: Uncertain significance for Cardiovascular phenotype. Last evaluated: 2024-05-01. Review status: criteria provided, single submitter. Criteria: Ambry Variant Classification Scheme 2023. Collection method: clinical testing. Allele origin: germline.

Natera, Inc.
Classification: Uncertain significance for Walker-Warburg congenital muscular dystrophy. Last evaluated: 2020-04-14. Review status: no assertion criteria provided. Collection method: clinical testing. Allele origin: germline. Not counted in ClinVar's aggregate classification.

NM_001079802.2(FKTN):c.623G>A (p.Gly208Asp)

Gene: FKTN (fukutin; plus strand). Cytogenetic location: 9q31.2.
Variant type: single nucleotide variant.
Coding change: c.623G>A on transcript NM_001079802.2 (MANE Select); coding-DNA position 623, G replaced by A.
Protein change: p.Gly208Asp; replaces glycine 208 with aspartic acid.
Molecular consequence: missense variant. On other transcripts: non-coding transcript variant (2).
Genome position (GRCh38, 1-based): chr9:105,604,468, G>A. VCF-style: chr9-105604468-G-A. GRCh37 (hg19) VCF-style: chr9-108366749-G-A.
Other names: c.623G>A, p.Gly208Asp (NM_001198963.2, NM_001351496.2, NM_001351498.2 and 1 more transcripts); c.554G>A, p.Gly185Asp (NM_001351497.2); c.227G>A, p.Gly76Asp (NM_001351499.2, NM_001351500.2, NM_001351501.2 and 1 more transcripts); short protein forms G208D, G185D, G76D.
Identifiers: ClinVar variation 528816 (VCV000528816.17), dbSNP rs778048703, ClinGen allele CA5170447.